The following is an entry in ClinVar:

NM_152594.3(SPRED1):c.*3996G>A

Gene: SPRED1 (sprouty related EVH1 domain containing 1; plus strand). Cytogenetic location: 15q14.
Variant type: single nucleotide variant.
Coding change: c.*3996G>A on transcript NM_152594.3 (MANE Select); 3996 bases downstream of the stop codon, G replaced by A.
Molecular consequence: 3 prime UTR variant.
Genome position (GRCh38, 1-based): chr15:38,355,660, G>A. VCF-style: chr15-38355660-G-A. GRCh37 (hg19) VCF-style: chr15-38647861-G-A.
Identifiers: ClinVar variation 315776 (VCV000315776.6), dbSNP rs72725364, ClinGen allele CA10645820.

ClinVar aggregate classification (germline): Benign. Review status: criteria provided, multiple submitters, no conflicts (2 of 4 stars). 2 submissions from 2 submitters: Benign (2). Last evaluated 2018-01-13.

Conditions:
Legius syndrome. Identifiers: Orphanet 137605, MedGen C1969623, MONDO:0012669, OMIM 611431. Disease mechanism: loss of function.

Allele frequency attached by ClinVar (database versions not stated): gnomAD 0.08710 and 0.08975; TOPMed 0.09674; 1000 Genomes Project 30x 0.10853; 1000 Genomes Project 0.11002.

Submissions (2):

Illumina Laboratory Services, Illumina
Classification: Benign for Legius syndrome. Last evaluated: 2018-01-13. Review status: criteria provided, single submitter. Criteria: ICSL Variant Classification Criteria 13 December 2019. Collection method: clinical testing. Allele origin: germline.
Comment: This variant was observed in the ICSL laboratory as part of a predisposition screen in an ostensibly healthy population. It had not been previously curated by ICSL or reported in the Human Gene Mutation Database (HGMD: prior to June 1st, 2018), and was therefore a candidate for classification through an automated scoring system. Utilizing variant allele frequency, disease prevalence and penetrance estimates, and inheritance mode, an automated score was calculated to assess if this variant is too frequent to cause the disease. Based on the score and internal cut-off values, a variant classified as benign is not then subjected to further curation. The score for this variant resulted in a classification of benign for this disease.

Breakthrough Genomics
Classification: Benign. Review status: criteria provided, single submitter. Criteria: ACMG Guidelines, 2015. Collection method: not provided. Allele origin: germline. Inheritance: Autosomal dominant inheritance. Affected: yes.